The following is an entry in ClinVar:

NM_001360016.2(G6PD):c.486-17C>T

Gene: G6PD (glucose-6-phosphate dehydrogenase; minus strand). Cytogenetic location: Xq28.
Variant type: single nucleotide variant.
Coding change: c.486-17C>T on transcript NM_001360016.2 (MANE Select); 17 bases into the intron before coding-DNA position 486, C replaced by T.
Molecular consequence: intron variant.
Genome position (GRCh38, 1-based): chrX:154,534,513, G>A on the plus strand (C>T on the coding strand, the complement: G6PD is on the minus strand). VCF-style: chrX-154534513-G-A. GRCh37 (hg19) VCF-style: chrX-153762728-G-A.
Other names: c.576-17C>T (NM_000402.4); c.486-17C>T (NM_001042351.3).
Identifiers: ClinVar variation 1722730 (VCV001722730.2), dbSNP rs2070383298, ClinGen allele CA2466724210.
Genomic context (GRCh38, chrX:154,534,513, plus strand): 5'-GGTCCCTCCCGAAGGGCTTCTCCACGATGATGCGGTTCCAGCCTCTGCTGGGAGCCCGGA[G>A]CTGCGTTACCCCCTTGAACCCCTCTTCGGGGAGTGAGGATCAGAGCTGCATCATTCAGAC-3'

ClinVar aggregate classification (germline): Likely pathogenic (1 of 4 stars; one submission).

Conditions:
Anemia, nonspherocytic hemolytic, due to G6PD deficiency (CNSHA1). Also called: Hemolytic anemia due to G6PD deficiency; Class I glucose-6-phosphate dehydrogenase deficiency; Favism, susceptibility to; ANEMIA, CONGENITAL, NONSPHEROCYTIC HEMOLYTIC, 1. Identifiers: Orphanet 466026, MedGen C2720289, MONDO:0010480, OMIM 300908.

Allele frequency attached by ClinVar (database versions not stated): TOPMed below 0.00001.

Submission:

Dunham Lab, University of Washington
Classification: Likely pathogenic for Anemia, nonspherocytic hemolytic, due to G6PD deficiency. Last evaluated: 2022-08-12. Review status: criteria provided, single submitter. Criteria: Bayesian ACMG Guidelines, 2018. Collection method: curation. Allele origin: unknown. Affected: yes.
Comment: Variant found in unrelated heterozygotes with G6PD deficiency (PP4, PS4_M). Decreased activity in red blood cells of heterozygotes (40-50%) (PS3). Not observed in gnomAD (PM2). Post_P 0.988 (odds of pathogenicity 729.3, Prior_P 0.1).

Literature cited by the submitters: PubMed 22552160.